The following is an entry in ClinVar:

NM_000271.5(NPC1):c.652del (p.Glu218fs)

Gene: NPC1 (NPC intracellular cholesterol transporter 1; minus strand). Cytogenetic location: 18q11.2.
Variant type: Deletion.
Coding change: c.652del on transcript NM_000271.5 (MANE Select); coding-DNA position 652, one base deleted (G; older notation c.652delG).
Protein change: p.Glu218fs; shifts the reading frame from glutamic acid 218.
Molecular consequence: frameshift variant.
Genome position (GRCh38, 1-based): chr18:23,560,460, C deleted on the plus strand (G on the coding strand, the reverse complement: NPC1 is on the minus strand); the first of 2 consecutive C bases (chr18:23,560,460-23,560,461); deleting either gives the same sequence. VCF-style (leftmost placement, unchanged base first): chr18-23560459-TC-T. GRCh37 (hg19) VCF-style: chr18-21140423-TC-T.
Other names: short protein forms E218fs.
Identifiers: ClinVar variation 2008561 (VCV002008561.4), dbSNP rs2511303827, ClinGen allele CA2580095629.

ClinVar aggregate classification (germline): Pathogenic (1 of 4 stars; one submission).

Conditions:
Niemann-Pick disease, type C1. Also called: NEUROVISCERAL STORAGE DISEASE WITH VERTICAL SUPRANUCLEAR OPHTHALMOPLEGIA; NIEMANN-PICK DISEASE WITH CHOLESTEROL ESTERIFICATION BLOCK; NIEMANN-PICK DISEASE WITHOUT SPHINGOMYELINASE DEFICIENCY; NIEMANN-PICK DISEASE, CHRONIC NEURONOPATHIC FORM; NIEMANN-PICK DISEASE, VARIANT TYPE C1. Identifiers: Orphanet 646, MedGen C3179455, MONDO:0009757, OMIM 257220.

Submission:

Labcorp Genetics (formerly Invitae), Labcorp
Classification: Pathogenic for Niemann-Pick disease, type C1. Last evaluated: 2022-06-19. Review status: criteria provided, single submitter. Criteria: Invitae Variant Classification Sherloc (09022015). Collection method: clinical testing. Allele origin: germline.
Comment: For these reasons, this variant has been classified as Pathogenic. This variant has not been reported in the literature in individuals affected with NPC1-related conditions. This variant is not present in population databases (gnomAD no frequency). This sequence change creates a premature translational stop signal (p.Glu218Serfs*3) in the NPC1 gene. It is expected to result in an absent or disrupted protein product. Loss-of-function variants in NPC1 are known to be pathogenic (PMID: 9211850).

Literature cited by the submitters: PubMed 9211850.